The following is an entry in ClinVar:

NM_000701.8(ATP1A1):c.13G>A (p.Val5Ile)

Gene: ATP1A1 (ATPase Na+/K+ transporting subunit alpha 1; plus strand). Cytogenetic location: 1p13.1.
Variant type: single nucleotide variant.
Coding change: c.13G>A on transcript NM_000701.8 (MANE Select); coding-DNA position 13, G replaced by A.
Protein change: p.Val5Ile; replaces valine 5 with isoleucine.
Molecular consequence: missense variant. On other transcripts: 5 prime UTR variant (1).
Genome position (GRCh38, 1-based): chr1:116,384,014, G>A. VCF-style: chr1-116384014-G-A. GRCh37 (hg19) VCF-style: chr1-116926636-G-A.
Other names: c.13G>A, p.Val5Ile (NM_001160233.2); c.-81G>A (NM_001160234.2); short protein forms V5I.
Identifiers: ClinVar variation 2740462 (VCV002740462.3), dbSNP rs756724088, ClinGen allele CA341840160.
Genomic context (GRCh38, chr1:116,384,014, plus strand): 5'-TTTTCAGTTTCAGATGAGGTTCATAATTCATGGCCTCACTTTTCCCACATTCTCCTACAG[G>A]TTGGACGTGATAAGTATGAGCCTGCAGCTGTTTCAGAACAAGGTGATAAAAAGGGCAAAA-3'
Protein context (NP_000692.2, residues 1-15): MGKG[Val5Ile]GRDKYEPAAV

ClinVar aggregate classification (germline): Uncertain significance (1 of 4 stars; one submission).

Submission:

Labcorp Genetics (formerly Invitae), Labcorp
Classification: Uncertain significance. Last evaluated: 2023-07-10. Review status: criteria provided, single submitter. Criteria: Invitae Variant Classification Sherloc (09022015). Collection method: clinical testing. Allele origin: germline.
Comment: This sequence change replaces valine, which is neutral and non-polar, with isoleucine, which is neutral and non-polar, at codon 5 of the ATP1A1 protein (p.Val5Ile). This variant is not present in population databases (gnomAD no frequency). This variant has not been reported in the literature in individuals affected with ATP1A1-related conditions. In summary, the available evidence is currently insufficient to determine the role of this variant in disease. Therefore, it has been classified as a Variant of Uncertain Significance. Algorithms developed to predict the effect of missense changes on protein structure and function output the following: SIFT: "Not Available"; PolyPhen-2: "Benign"; Align-GVGD: "Not Available". The isoleucine amino acid residue is found in multiple mammalian species, which suggests that this missense change does not adversely affect protein function.